The following is an entry in ClinVar:

ClinVar aggregate classification (germline): Pathogenic/Likely pathogenic. Review status: criteria provided, multiple submitters, no conflicts (2 of 4 stars). 2 submissions from 2 submitters: Pathogenic (1); Likely pathogenic (1). Last evaluated 2025-03-24.

Conditions:
Salla disease (SD). Also called: Less Severe FSASD (Salla Disease); Sialuria, Finnish type; N-acetylneuraminic acid (NANA) storage disease (NSD); Infantile sialic acid storage disorder (ISSD). Identifiers: Orphanet 309334, Orphanet 834, MedGen C1096903, MONDO:0011449, OMIM 604369.
Inborn genetic diseases. Identifiers: MedGen C0950123, MeSH D030342.

Submissions (2):

Natera, Inc.
Classification: Likely pathogenic for Salla disease. Last evaluated: 2025-03-24. Review status: criteria provided, single submitter. Criteria: Natera Variant Classification Schema (03/2026). Collection method: clinical testing. Allele origin: germline.
Comment: The c.903C>A variant in SLC17A5 is a nonsense variant predicted to introduce a stop codon at amino acid 301. This variant is expected to result in nonsense mediated decay, truncation, or a dysfunctional protein product. This variant is rare in the general population with a frequency below the threshold expected for the associated phenotype(s). Given the available evidence, this variant is classified as Likely Pathogenic.

Ambry Genetics
Classification: Pathogenic for Inborn genetic diseases. Last evaluated: 2021-12-22. Review status: criteria provided, single submitter. Criteria: Ambry Variant Classification Scheme 2023. Collection method: clinical testing. Allele origin: germline.
Comment: The c.903C>A (p.Y301*) alteration, located in exon 7 (coding exon 7) of the SLC17A5 gene, consists of a C to A substitution at nucleotide position 903. This changes the amino acid from a tyrosine (Y) to a stop codon at amino acid position 301. This alteration is expected to result in loss of function by premature protein truncation or nonsense-mediated mRNA decay. This variant was not reported in population-based cohorts in the Genome Aggregation Database (gnomAD). Based on the available evidence, this alteration is classified as pathogenic.

NM_012434.5(SLC17A5):c.903C>A (p.Tyr301Ter)

Gene: SLC17A5 (solute carrier family 17 member 5; minus strand). Cytogenetic location: 6q13.
Variant type: single nucleotide variant.
Coding change: c.903C>A on transcript NM_012434.5 (MANE Select); coding-DNA position 903, C replaced by A.
Protein change: p.Tyr301Ter; replaces tyrosine 301 with a stop codon.
Molecular consequence: nonsense. On other transcripts: intron variant (1).
Genome position (GRCh38, 1-based): chr6:73,621,879, G>T on the plus strand (C>A on the coding strand, the complement: SLC17A5 is on the minus strand). VCF-style: chr6-73621879-G-T. GRCh37 (hg19) VCF-style: chr6-74331602-G-T.
Other names: c.672C>A, p.Tyr224Ter (NM_001382629.1); c.903C>A, p.Tyr301Ter (NM_001382630.1, NM_001382633.1); c.924C>A, p.Tyr308Ter (NM_001382631.1); c.816C>A, p.Tyr272Ter (NM_001382632.1); c.900C>A, p.Tyr300Ter (NM_001382635.1); c.585C>A, p.Tyr195Ter (NM_001382636.1); c.820-6432C>A (NM_001382634.1); short protein forms Y195*, Y272*, Y224*, Y301*, Y308*, Y300*.
Identifiers: ClinVar variation 2262764 (VCV002262764.4), dbSNP rs1768168686, ClinGen allele CA364713512.